The following is an entry in ClinVar:

ClinVar aggregate classification (germline): Pathogenic (1 of 4 stars; one submission).

Conditions:
Hereditary breast ovarian cancer syndrome. Also called: Hereditary breast and/or ovarian cancer syndrome; Hereditary breast and ovarian cancer syndrome (HBOC); Breast and ovarian cancer; Hereditary breast and ovarian cancer; BRCA1- and BRCA2-Associated Hereditary Breast and Ovarian Cancer; Hereditary breast and ovarian cancer syndrome. Identifiers: Orphanet 145, MedGen C0677776, MeSH D061325, MONDO:0003582. Disease mechanism: loss of function.

Submission:

Labcorp Genetics (formerly Invitae), Labcorp
Classification: Pathogenic for Hereditary breast and ovarian cancer syndrome. Last evaluated: 2019-12-04. Review status: criteria provided, single submitter. Criteria: Invitae Variant Classification Sherloc (09022015). Collection method: clinical testing. Allele origin: germline.
Comment: This variant is a gross deletion of the genomic region encompassing exons 22-23 of the BRCA1 gene. The 5' boundary is likely confined to intron 21. The 3' end of this event is unknown as it extends through the termination codon beyond the assayed region for this gene and may encompass additional genes. While this deletion is not anticipated to result in nonsense mediated decay, it is expected to create a truncated protein product or disrupt mRNA translation. Deletions encompassing exons 22-23, which in the literature are known as deletions of exons 23-24, have been reported in several individuals and families affected with breast and/or ovarian cancer (PMID: 16715518, 16793929, 17333342, 18431737, 24825132). In one of these families the deletion was shown to segregate with the disease in four affected individuals (PMID: 16793929). For these reasons, this variant has been classified as Pathogenic.

Literature cited by the submitters: PubMed 24825132; PubMed 18431737; PubMed 17333342; PubMed 16793929; PubMed 16715518.

NC_000017.11:g.(?_43045620)_(43047728_?)del

Gene: BRCA1 (BRCA1 DNA repair associated; minus strand). Cytogenetic location: 17q21.31.
Variant type: Deletion.
Identifiers: ClinVar variation 832372 (VCV000832372.1).